The following is an entry in ClinVar:

ClinVar aggregate classification (germline): Conflicting classifications of pathogenicity. Review status: criteria provided, conflicting classifications (1 of 4 stars). 3 submissions from 3 submitters: Uncertain significance (2); Likely benign (1). Last evaluated 2026-02-02.

Conditions:
Hereditary cancer-predisposing syndrome. Also called: Hereditary Cancer Syndrome; Hereditary neoplastic syndrome; Neoplastic Syndromes, Hereditary; Tumor predisposition. Identifiers: Orphanet 140162, MedGen C0027672, MeSH D009386, MONDO:0015356.
Hereditary breast ovarian cancer syndrome. Also called: Hereditary breast and ovarian cancer; Breast and ovarian cancer; Hereditary breast and ovarian cancer syndrome; Hereditary breast and/or ovarian cancer syndrome; BRCA1- and BRCA2-Associated Hereditary Breast and Ovarian Cancer; Hereditary breast and ovarian cancer syndrome (HBOC). Identifiers: Orphanet 145, MedGen C0677776, MeSH D061325, MONDO:0003582. Disease mechanism: loss of function.

Allele frequency attached by ClinVar (database versions not stated): gnomAD exomes below 0.00001.

Submissions (3):

Labcorp Genetics (formerly Invitae), Labcorp
Classification: Uncertain significance for Hereditary breast ovarian cancer syndrome. Last evaluated: 2026-02-02. Review status: criteria provided, single submitter. Criteria: Invitae Variant Classification Sherloc (09022015). Collection method: clinical testing. Allele origin: germline.
Comment: This sequence change replaces glutamine, which is neutral and polar, with arginine, which is basic and polar, at codon 380 of the BRCA1 protein (p.Gln380Arg). This variant is present in population databases (no rsID available, gnomAD 0.0009%). This variant has not been reported in the literature in individuals affected with BRCA1-related conditions. ClinVar contains an entry for this variant (Variation ID: 441392). Invitae Evidence Modeling of protein sequence and biophysical properties (such as structural, functional, and spatial information, amino acid conservation, physicochemical variation, residue mobility, and thermodynamic stability) indicates that this missense variant is not expected to disrupt BRCA1 protein function with a negative predictive value of 80%. In summary, the available evidence is currently insufficient to determine the role of this variant in disease. Therefore, it has been classified as a Variant of Uncertain Significance.

Ambry Genetics
Classification: Uncertain significance for Hereditary cancer-predisposing syndrome. Last evaluated: 2024-09-12. Review status: criteria provided, single submitter. Criteria: Ambry Variant Classification Scheme 2023. Collection method: clinical testing. Allele origin: germline.
Comment: The p.Q380R variant (also known as c.1139A>G), located in coding exon 9 of the BRCA1 gene, results from an A to G substitution at nucleotide position 1139. The glutamine at codon 380 is replaced by arginine, an amino acid with highly similar properties. This amino acid position is well conserved in available vertebrate species. In addition, the in silico prediction for this alteration is inconclusive. Since supporting evidence is limited at this time, the clinical significance of this alteration remains unclear.

University of Washington Department of Laboratory Medicine, University of Washington
Classification: Likely benign for Hereditary cancer-predisposing syndrome. Last evaluated: 2023-03-23. Review status: criteria provided, single submitter. Criteria: Dines et al. (Genet Med. 2020). Collection method: curation. Allele origin: germline.
Comment: Missense variant in a coldspot region where missense variants are very unlikely to be pathogenic (PMID:31911673).

BRCA1 coldspot (exon 11 using historical exon numbering). Reclassification based on statistical prior probability

NM_007294.4(BRCA1):c.1139A>G (p.Gln380Arg)

Gene: BRCA1 (BRCA1 DNA repair associated; minus strand). Cytogenetic location: 17q21.31.
Variant type: single nucleotide variant.
Coding change: c.1139A>G on transcript NM_007294.4 (MANE Select); coding-DNA position 1139, A replaced by G.
Protein change: p.Gln380Arg; replaces glutamine 380 with arginine.
Molecular consequence: missense variant. On other transcripts: intron variant (137).
Genome position (GRCh38, 1-based): chr17:43,094,392, T>C on the plus strand (A>G on the coding strand, the complement: BRCA1 is on the minus strand). VCF-style: chr17-43094392-T-C. GRCh37 (hg19) VCF-style: chr17-41246409-T-C.
Other names: c.667+1454A>G (NM_001408424.1, NM_001408421.1, NM_001408431.1); c.784+352A>G (NM_001408407.1, NM_001408402.1, NM_001408473.1 and 13 more transcripts); c.664+352A>G (NM_001408443.1, NM_001408439.1, NM_001408425.1 and 12 more transcripts); c.670+1454A>G (NM_001408419.1, NM_001408422.1, NM_001408418.1 and 2 more transcripts); c.706+352A>G (NM_001408416.1, NM_001408413.1); c.577+352A>G (NM_001408484.1, NM_001408478.1, NM_001408482.1 and 9 more transcripts); c.661+352A>G (NM_001408450.1, NM_001408434.1, NM_001408446.1 and 6 more transcripts); c.787+352A>G (NM_001408403.1, NM_001407983.1, NM_001407975.1 and 19 more transcripts); and 40 more; short protein forms Q380R, Q333R, Q309R, Q312R, Q338R, Q253R, Q313R, Q332R.
Identifiers: ClinVar variation 441392 (VCV000441392.17), dbSNP rs876659193, ClinGen allele CA10599781.